The following is an entry in ClinVar:

ClinVar aggregate classification (germline): Uncertain significance (1 of 4 stars; one submission).

Conditions:
RASopathy. Also called: Noonan spectrum disorder; rasopathies. Identifiers: Orphanet 536391, MedGen C5555857, MONDO:0021060.

gnomAD v4.1: 2 of 1,612,684 alleles (0.00012%); highest among the groups gnomAD compares: Middle Eastern, 0.017%; no homozygotes.

Submission:

Labcorp Genetics (formerly Invitae), Labcorp
Classification: Uncertain significance for RASopathy. Last evaluated: 2025-09-19. Review status: criteria provided, single submitter. Criteria: Invitae Variant Classification Sherloc (09022015). Collection method: clinical testing. Allele origin: germline.
Comment: This sequence change replaces histidine, which is basic and polar, with arginine, which is basic and polar, at codon 360 of the CBL protein (p.His360Arg). This variant is not present in population databases (gnomAD no frequency). This variant has not been reported in the literature in individuals affected with CBL-related conditions. ClinVar contains an entry for this variant (Variation ID: 3698651). Invitae Evidence Modeling of protein sequence and biophysical properties (such as structural, functional, and spatial information, amino acid conservation, physicochemical variation, residue mobility, and thermodynamic stability) indicates that this missense variant is not expected to disrupt CBL protein function with a negative predictive value of 95%. In summary, the available evidence is currently insufficient to determine the role of this variant in disease. Therefore, it has been classified as a Variant of Uncertain Significance.

NM_005188.4(CBL):c.1079A>G (p.His360Arg)

Gene: CBL (Cbl proto-oncogene; plus strand). Cytogenetic location: 11q23.3.
Variant type: single nucleotide variant.
Coding change: c.1079A>G on transcript NM_005188.4 (MANE Select); coding-DNA position 1079, A replaced by G.
Protein change: p.His360Arg; replaces histidine 360 with arginine.
Molecular consequence: missense variant.
Genome position (GRCh38, 1-based): chr11:119,277,828, A>G. VCF-style: chr11-119277828-A-G. GRCh37 (hg19) VCF-style: chr11-119148538-A-G.
Other names: short protein forms H360R.
Identifiers: ClinVar variation 3698651 (VCV003698651.2).